The following is an entry in ClinVar:

ClinVar aggregate classification (germline): Likely benign. Review status: criteria provided, multiple submitters, no conflicts (2 of 4 stars). 3 submissions from 3 submitters: Likely benign (2). 1 of the submissions does not count toward it. Last evaluated 2026-01-11.

Conditions:
MMUT-related disorder. Also called: MMUT-related condition.
Methylmalonic aciduria due to methylmalonyl-CoA mutase deficiency (MAMM). Also called: Methylmalonic aciduria, mut type. Identifiers: Orphanet 27, MedGen C1855114, MONDO:0009612, OMIM 251000.

Allele frequency attached by ClinVar (database versions not stated): gnomAD exomes below 0.00001; ExAC 0.00001; gnomAD 0.00003; TOPMed 0.00007.
gnomAD v4.1: 7 of 1,613,966 alleles (0.00043%); highest among the groups gnomAD compares: African/African-American, 0.008%; no homozygotes.

Submissions (3):

Labcorp Genetics (formerly Invitae), Labcorp
Classification: Likely benign. Last evaluated: 2026-01-11. Review status: criteria provided, single submitter. Criteria: Invitae Variant Classification Sherloc (09022015). Collection method: clinical testing. Allele origin: germline.

Fulgent Genetics
Classification: Likely benign for Methylmalonic aciduria due to methylmalonyl-CoA mutase deficiency. Last evaluated: 2021-11-03. Review status: criteria provided, single submitter. Criteria: ACMG Guidelines, 2015. Collection method: clinical testing. Allele origin: unknown.

PreventionGenetics, part of Exact Sciences
Classification: Likely benign for MMUT-related condition. Last evaluated: 2021-03-16. Review status: no assertion criteria provided. Collection method: clinical testing. Allele origin: germline. Not counted in ClinVar's aggregate classification.
Comment: This variant is classified as likely benign based on ACMG/AMP sequence variant interpretation guidelines (Richards et al. 2015 PMID: 25741868, with internal and published modifications).

NM_000255.4(MMUT):c.123A>G (p.Pro41=)

Gene: MMUT (methylmalonyl-CoA mutase; minus strand). Cytogenetic location: 6p12.3.
Variant type: single nucleotide variant.
Coding change: c.123A>G on transcript NM_000255.4 (MANE Select); coding-DNA position 123, A replaced by G.
Protein change: p.Pro41=; no amino-acid change (proline 41 retained).
Molecular consequence: synonymous variant.
Genome position (GRCh38, 1-based): chr6:49,459,344, T>C on the plus strand (A>G on the coding strand, the complement: MMUT is on the minus strand). VCF-style: chr6-49459344-T-C. GRCh37 (hg19) VCF-style: chr6-49427057-T-C.
Other names: c.123A>G (NM_000255.3).
Identifiers: ClinVar variation 1110497 (VCV001110497.12), dbSNP rs753769272, ClinGen allele CA3847178.